The following is an entry in ClinVar:

NM_001277115.2(DNAH11):c.2222A>G (p.Asp741Gly)

Gene: DNAH11 (dynein axonemal heavy chain 11; plus strand). Cytogenetic location: 7p15.3.
Variant type: single nucleotide variant.
Coding change: c.2222A>G on transcript NM_001277115.2 (MANE Select); coding-DNA position 2222, A replaced by G.
Protein change: p.Asp741Gly; replaces aspartic acid 741 with glycine.
Molecular consequence: missense variant.
Genome position (GRCh38, 1-based): chr7:21,590,970, A>G. VCF-style: chr7-21590970-A-G. GRCh37 (hg19) VCF-style: chr7-21630588-A-G.
Other names: c.2222A>G, p.Asp741Gly (NM_003777.3); short protein forms D741G.
Identifiers: ClinVar variation 3221485 (VCV003221485.1), dbSNP rs748431050, ClinGen allele CA4179269.

ClinVar aggregate classification (germline): Uncertain significance (1 of 4 stars; one submission).

Conditions:
Primary ciliary dyskinesia. Also called: Ciliary dyskinesia. Identifiers: Orphanet 244, MedGen C0008780, MONDO:0016575, HP:0012265.

Allele frequency attached by ClinVar (database versions not stated): gnomAD exomes 0.00001; TOPMed 0.00001; ExAC 0.00002; gnomAD 0.00002.
gnomAD v4.1: 6 of 1,522,086 alleles (0.00039%); highest among the groups gnomAD compares: African/African-American, 0.0086%; no homozygotes.

Submission:

Ambry Genetics
Classification: Uncertain significance for Primary ciliary dyskinesia. Last evaluated: 2024-02-04. Review status: criteria provided, single submitter. Criteria: Ambry Variant Classification Scheme 2023. Collection method: clinical testing. Allele origin: germline.
Comment: The p.D741G variant (also known as c.2222A>G), located in coding exon 13 of the DNAH11 gene, results from an A to G substitution at nucleotide position 2222. The aspartic acid at codon 741 is replaced by glycine, an amino acid with similar properties. This amino acid position is conserved. In addition, this alteration is predicted to be tolerated by in silico analysis. Based on the available evidence, the clinical significance of this alteration remains unclear.